The following is an entry in ClinVar:

NM_006393.3(NEBL):c.655G>A (p.Ala219Thr)

Gene: NEBL (nebulette; minus strand). Cytogenetic location: 10p12.31.
Variant type: single nucleotide variant.
Coding change: c.655G>A on transcript NM_006393.3 (MANE Select); coding-DNA position 655, G replaced by A.
Protein change: p.Ala219Thr; replaces alanine 219 with threonine.
Molecular consequence: missense variant. On other transcripts: intron variant (9).
Genome position (GRCh38, 1-based): chr10:20,868,693, C>T on the plus strand (G>A on the coding strand, the complement: NEBL is on the minus strand). VCF-style: chr10-20868693-C-T. GRCh37 (hg19) VCF-style: chr10-21157622-C-T.
Other names: c.250-55753G>A (NM_001377326.1, NM_001377327.1, NM_001377328.1); c.358-55753G>A (NM_213569.2, NM_001173484.2, NM_001377322.1); c.301-55753G>A (NM_001377324.1); c.292-55753G>A (NM_001377325.1); c.310-55753G>A (NM_001377323.1); short protein forms A219T.
Identifiers: ClinVar variation 2621819 (VCV002621819.3), dbSNP rs2492245217, ClinGen allele CA376103172.

ClinVar aggregate classification (germline): Uncertain significance. Review status: criteria provided, multiple submitters, no conflicts (2 of 4 stars). 2 submissions from 2 submitters: Uncertain significance (2). Last evaluated 2025-02-16.

Conditions:
Primary dilated cardiomyopathy (DCM). Also called: Dilated Cardiomyopathy. Identifiers: Orphanet 217604, MedGen C0007193, MeSH D002311, MONDO:0005021, HP:0001644. Inheritance: Various modes of inheritance.

Allele frequency attached by ClinVar (database versions not stated): gnomAD exomes below 0.00001.
gnomAD v4.1: 1 of 1,612,178 alleles (0.000062%); highest among the groups gnomAD compares: Non-Finnish European, 0.000085%; no homozygotes.

Submissions (2):

Labcorp Genetics (formerly Invitae), Labcorp
Classification: Uncertain significance for Primary dilated cardiomyopathy. Last evaluated: 2025-02-16. Review status: criteria provided, single submitter. Criteria: Invitae Variant Classification Sherloc (09022015). Collection method: clinical testing. Allele origin: germline.
Comment: This sequence change replaces alanine, which is neutral and non-polar, with threonine, which is neutral and polar, at codon 219 of the NEBL protein (p.Ala219Thr). This variant is not present in population databases (gnomAD no frequency). This variant has not been reported in the literature in individuals affected with NEBL-related conditions. ClinVar contains an entry for this variant (Variation ID: 2621819). An algorithm developed to predict the effect of missense changes on protein structure and function (PolyPhen-2) suggests that this variant is likely to be disruptive. In summary, the available evidence is currently insufficient to determine the role of this variant in disease. Therefore, it has been classified as a Variant of Uncertain Significance.

Ambry Genetics
Classification: Uncertain significance. Last evaluated: 2023-08-28. Review status: criteria provided, single submitter. Criteria: Ambry Variant Classification Scheme 2023. Collection method: clinical testing. Allele origin: germline.